The following is an entry in ClinVar:

NM_003060.4(SLC22A5):c.1510A>G (p.Ile504Val)

Gene: SLC22A5 (solute carrier family 22 member 5; plus strand). Cytogenetic location: 5q31.1.
Variant type: single nucleotide variant.
Coding change: c.1510A>G on transcript NM_003060.4 (MANE Select); coding-DNA position 1510, A replaced by G.
Protein change: p.Ile504Val; replaces isoleucine 504 with valine.
Molecular consequence: missense variant.
Genome position (GRCh38, 1-based): chr5:132,393,735, A>G. VCF-style: chr5-132393735-A-G. GRCh37 (hg19) VCF-style: chr5-131729427-A-G.
Other names: c.1582A>G, p.Ile528Val (NM_001308122.2); short protein forms I504V, I528V.
Identifiers: ClinVar variation 1359944 (VCV001359944.5), dbSNP rs1417574754, ClinGen allele CA360809812.
Genomic context (GRCh38, chr5:132,393,735, plus strand): 5'-GGTGCCTACGACCGCTTCCTGCCCTACATTCTCATGGGAAGTCTGACCATCCTGACAGCC[A>G]TCCTCACCTTGTTTCTCCCAGAGAGCTTCGGTACCCCACTCCCAGACACCATTGACCAGA-3'
Protein context (NP_003051.1, residues 494-514): LMGSLTILTA[Ile504Val]LTLFLPESFG

ClinVar aggregate classification (germline): Uncertain significance (1 of 4 stars; one submission).

Conditions:
Renal carnitine transport defect (CDSP). Also called: Carnitine Deficiency, Systemic; Systemic primary carnitine deficiency disease; CARNITINE DEFICIENCY, SYSTEMIC, DUE TO DEFECT IN RENAL REABSORPTION OF CARNITINE; CARNITINE TRANSPORTER, PLASMA-MEMBRANE, DEFICIENCY OF; CARNITINE UPTAKE DEFECT; Primary carnitine deficiency. Identifiers: Orphanet 158, MedGen C0342788, MONDO:0008919, OMIM 212140.

Allele frequency attached by ClinVar (database versions not stated): gnomAD exomes below 0.00001; gnomAD 0.00001; TOPMed 0.00002.
gnomAD v4.1: 3 of 1,613,996 alleles (0.00019%); highest among the groups gnomAD compares: Admixed American, 0.0017%; no homozygotes.

Submission:

Labcorp Genetics (formerly Invitae), Labcorp
Classification: Uncertain significance for Renal carnitine transport defect. Last evaluated: 2022-07-25. Review status: criteria provided, single submitter. Criteria: Invitae Variant Classification Sherloc (09022015). Collection method: clinical testing. Allele origin: germline.
Comment: This sequence change replaces isoleucine, which is neutral and non-polar, with valine, which is neutral and non-polar, at codon 504 of the SLC22A5 protein (p.Ile504Val). This variant is present in population databases (no rsID available, gnomAD 0.003%). This variant has not been reported in the literature in individuals affected with SLC22A5-related conditions. ClinVar contains an entry for this variant (Variation ID: 1359944). Advanced modeling of protein sequence and biophysical properties (such as structural, functional, and spatial information, amino acid conservation, physicochemical variation, residue mobility, and thermodynamic stability) performed at Invitae indicates that this missense variant is not expected to disrupt SLC22A5 protein function. In summary, the available evidence is currently insufficient to determine the role of this variant in disease. Therefore, it has been classified as a Variant of Uncertain Significance.